The following is an entry in ClinVar:

ClinVar aggregate classification (germline): Uncertain significance (1 of 4 stars; one submission).

Conditions:
Cardiovascular phenotype. Identifiers: MedGen CN230736.

Submission:

Ambry Genetics
Classification: Uncertain significance for Cardiovascular phenotype. Last evaluated: 2025-03-17. Review status: criteria provided, single submitter. Criteria: Ambry Variant Classification Scheme 2023. Collection method: clinical testing. Allele origin: germline.
Comment: The p.E147V variant (also known as c.440A>T), located in coding exon 1 of the KCNJ5 gene, results from an A to T substitution at nucleotide position 440. The glutamic acid at codon 147 is replaced by valine, an amino acid with dissimilar properties. This amino acid position is highly conserved in available vertebrate species. In addition, this alteration is predicted to be deleterious by in silico analysis. Based on the available evidence, the clinical significance of this variant remains unclear.

NM_000890.5(KCNJ5):c.440A>T (p.Glu147Val)

Gene: KCNJ5 (potassium inwardly rectifying channel subfamily J member 5; plus strand). Cytogenetic location: 11q24.3.
Variant type: single nucleotide variant.
Coding change: c.440A>T on transcript NM_000890.5 (MANE Select); coding-DNA position 440, A replaced by T.
Protein change: p.Glu147Val; replaces glutamic acid 147 with valine.
Molecular consequence: missense variant.
Genome position (GRCh38, 1-based): chr11:128,911,713, A>T. VCF-style: chr11-128911713-A-T. GRCh37 (hg19) VCF-style: chr11-128781608-A-T.
Other names: c.440A>T, p.Glu147Val (NM_001354169.2); short protein forms E147V.
Identifiers: ClinVar variation 4041671 (VCV004041671.1).
Genomic context (GRCh38, chr11:128,911,713, plus strand): 5'-TTCCTTGTGTTGAAAACCTCAGTGGCTTCGTGTCCGCTTTCCTGTTCTCCATTGAGACCG[A>T]AACAACCATTGGGTATGGCTTCCGAGTCATCACAGAGAAGTGTCCAGAGGGGATTATACT-3'
Protein context (NP_000881.3, residues 137-157): VSAFLFSIET[Glu147Val]TTIGYGFRVI